The following is an entry in ClinVar:

ClinVar aggregate classification (germline): Likely benign. Review status: criteria provided, single submitter (1 of 4 stars). 2 submissions from 2 submitters: Likely benign (1). 1 of the submissions does not count toward it. Last evaluated 2025-09-08.

Conditions:
SEMA3E-related disorder. Also called: SEMA3E-related condition.
CHARGE syndrome (CHARGE). Also called: Hittner Hirsch Kreh syndrome; CHARGE ASSOCIATION--COLOBOMA, HEART ANOMALY, CHOANAL ATRESIA, RETARDATION, GENITAL AND EAR ANOMALIES; Coloboma, heart anomaly, choanal atresia, retardation, genital and ear anomalies; CHARGE association; Hall-Hittner syndrome. Identifiers: Orphanet 138, MedGen C0265354, MONDO:0008965.

gnomAD v4.1: 59 of 1,611,912 alleles (0.0037%); highest among the groups gnomAD compares: Non-Finnish European, 0.0042%; no homozygotes.

Submissions (2):

Labcorp Genetics (formerly Invitae), Labcorp
Classification: Likely benign for CHARGE syndrome. Last evaluated: 2025-09-08. Review status: criteria provided, single submitter. Criteria: Invitae Variant Classification Sherloc (09022015). Collection method: clinical testing. Allele origin: germline.

PreventionGenetics, part of Exact Sciences
Classification: Likely benign for SEMA3E-related condition. Last evaluated: 2024-02-07. Review status: no assertion criteria provided. Collection method: clinical testing. Allele origin: germline. Not counted in ClinVar's aggregate classification.
Comment: This variant is classified as likely benign based on ACMG/AMP sequence variant interpretation guidelines (Richards et al. 2015 PMID: 25741868, with internal and published modifications).

NM_012431.3(SEMA3E):c.90C>T (p.His30=)

Gene: SEMA3E (semaphorin 3E; minus strand). Cytogenetic location: 7q21.11.
Variant type: single nucleotide variant.
Coding change: c.90C>T on transcript NM_012431.3 (MANE Select); coding-DNA position 90, C replaced by T.
Protein change: p.His30=; no amino-acid change (histidine 30 retained).
Molecular consequence: synonymous variant.
Genome position (GRCh38, 1-based): chr7:83,648,453, G>A on the plus strand (C>T on the coding strand, the complement: SEMA3E is on the minus strand). VCF-style: chr7-83648453-G-A. GRCh37 (hg19) VCF-style: chr7-83277769-G-A.
Other names: c.90C>T (NM_012431.2).
Identifiers: ClinVar variation 2079831 (VCV002079831.6), dbSNP rs919228737, ClinGen allele CA161742659.
Genomic context (GRCh38, chr7:83,648,453, plus strand): 5'-TTTTTTAAACAAAAGGATCTGGAAAGGTAACCTACCTTTATGTGACAGGCGTAACCGGGG[G>A]TGGGTAGTATCAGCTGTATGACCTCCTGTCCAAAGCTCCAGTAAGTAACCCCACAGGAGC-3'
Protein context (NP_036563.1, residues 20-40): WTGGHTADTT[His30=]PRLRLSHKEL